The following is an entry in ClinVar:

ClinVar aggregate classification (germline): Likely benign. Review status: criteria provided, multiple submitters, no conflicts (2 of 4 stars). 3 submissions from 3 submitters: Likely benign (3). Last evaluated 2025-12-31.

Conditions:
POLD1-related polyposis and colorectal cancer syndrome (CRCS10). Also called: Colorectal cancer 10; COLORECTAL CANCER, SUSCEPTIBILITY TO, ON CHROMOSOME 19q; Colorectal cancer, susceptibility to, 10. Identifiers: Orphanet 220460, MedGen C2675481, MONDO:0012953, OMIM 612591.

Allele frequency attached by ClinVar (database versions not stated): gnomAD 0.00001; gnomAD exomes 0.00002 and 0.00006; ExAC 0.00012.
gnomAD v4.1: 24 of 1,602,908 alleles (0.0015%); highest among the groups gnomAD compares: African/African-American, 0.0027%; no homozygotes.

Submissions (3):

Labcorp Genetics (formerly Invitae), Labcorp
Classification: Likely benign for POLD1-related polyposis and colorectal cancer syndrome. Last evaluated: 2025-12-31. Review status: criteria provided, single submitter. Criteria: Invitae Variant Classification Sherloc (09022015). Collection method: clinical testing. Allele origin: germline.

Center for Genomic Medicine, Rigshospitalet, Copenhagen University Hospital
Classification: Likely benign. Last evaluated: 2025-03-04. Review status: criteria provided, single submitter. Criteria: ACMG Guidelines, 2015. Collection method: clinical testing. Allele origin: germline.

Women's Health and Genetics/Laboratory Corporation of America, LabCorp
Classification: Likely benign. Last evaluated: 2023-08-22. Review status: criteria provided, single submitter. Criteria: LabCorp Variant Classification Summary - May 2015. Collection method: clinical testing. Allele origin: germline.
Comment: Variant summary: POLD1 c.2565-18C>T alters a non-conserved nucleotide located at a position not widely known to affect splicing. 4/4 computational tools predict no significant impact on normal splicing. However, these predictions have yet to be confirmed by functional studies. The variant allele was found at a frequency of 5.7e-05 in 245090 control chromosomes. To our knowledge, no occurrence of c.2565-18C>T in individuals affected with Mandibular Hypoplasia, Deafness, Progeroid Features, And Lipodystrophy Syndrome and no experimental evidence demonstrating its impact on protein function have been reported. Two submitters have cited clinical-significance assessments for this variant to ClinVar after 2014. All submitters classified the variant as likely benign. Based on the evidence outlined above, the variant was classified as likely benign.

NM_002691.4(POLD1):c.2565-18C>T

Gene: POLD1 (DNA polymerase delta 1, catalytic subunit; plus strand). Cytogenetic location: 19q13.33.
Variant type: single nucleotide variant.
Coding change: c.2565-18C>T on transcript NM_002691.4 (MANE Select); 18 bases into the intron before coding-DNA position 2565, C replaced by T.
Molecular consequence: intron variant.
Genome position (GRCh38, 1-based): chr19:50,415,420, C>T. VCF-style: chr19-50415420-C-T. GRCh37 (hg19) VCF-style: chr19-50918677-C-T.
Other names: c.2565-18C>T (NM_002691.3, NM_001256849.1); c.2643-18C>T (NM_001308632.1).
Identifiers: ClinVar variation 1564186 (VCV001564186.10), dbSNP rs754566158, ClinGen allele CA9596583.